The following is an entry in ClinVar:

NM_025216.3(WNT10A):c.493G>A (p.Gly165Arg)

Gene: WNT10A (Wnt family member 10A; plus strand). Cytogenetic location: 2q35.
Variant type: single nucleotide variant.
Coding change: c.493G>A on transcript NM_025216.3 (MANE Select); coding-DNA position 493, G replaced by A.
Protein change: p.Gly165Arg; replaces glycine 165 with arginine.
Molecular consequence: missense variant.
Genome position (GRCh38, 1-based): chr2:218,890,100, G>A. VCF-style: chr2-218890100-G-A. GRCh37 (hg19) VCF-style: chr2-219754822-G-A.
Other names: short protein forms G165R.
Identifiers: ClinVar variation 334399 (VCV000334399.52), dbSNP rs77583146, ClinGen allele CA2113950.
Genomic context (GRCh38, chr2:218,890,100, plus strand): 5'-GTGTCCAATGCGTGTGCCCTGGGCAAACTGAAGGCCTGTGGCTGTGATGCGTCCCGGCGA[G>A]GGGACGAGGAGGCCTTCCGTAGGAAGCTGCACCGCTTACAACTGGATGCACTGCAGCGTG-3'
Protein context (NP_079492.2, residues 155-175): KACGCDASRR[Gly165Arg]DEEAFRRKLH

ClinVar aggregate classification (germline): Conflicting classifications of pathogenicity. Review status: criteria provided, conflicting classifications (1 of 4 stars). 12 submissions from 8 submitters: Uncertain significance (3); Benign (4); Likely benign (2). 3 of the submissions do not count toward it. Last evaluated 2026-07-30.

Conditions:
Odonto-onycho-dermal dysplasia. Identifiers: Orphanet 2721, MedGen C0796093, MONDO:0009773, OMIM 257980.
WNT10A-related disorder. Also called: WNT10A-related disorders; WNT10A-related condition.
Tooth agenesis, selective, 4 (STHAG4). Also called: SUCCEDANEOUS TEETH, AGENESIS OF; TOOTH AGENESIS, SELECTIVE, 4, WITH OR WITHOUT ECTODERMAL DYSPLASIA; LATERAL INCISORS, ABSENCE OF; LATERAL INCISORS, PEGGED OR MISSING. Identifiers: Orphanet 99798, MedGen C1835492, MONDO:0007881, OMIM 150400. Disease mechanism: loss of function.
Tooth agenesis. Also called: Decreased number of teeth; Decreased tooth count; Failure of development of some teeth; Fewer teeth than normal; Missing some teeth; Reduced number of teeth. Identifiers: MedGen C4024202, HP:0009804, MONDO:0005486.
Schöpf-Schulz-Passarge syndrome. Also called: ECCRINE TUMORS WITH ECTODERMAL DYSPLASIA; SchC6pf-Schulz-Passarge syndrome; KERATOSIS PALMOPLANTARIS WITH CYSTIC EYELIDS, HYPODONTIA, AND HYPOTRICHOSIS. Identifiers: Orphanet 50944, MedGen C1857069, MONDO:0009145, OMIM 224750.

Allele frequency attached by ClinVar (database versions not stated): 1000 Genomes Project 0.00220; 1000 Genomes Project 30x 0.00234; TOPMed 0.00669; gnomAD exomes 0.00685 and 0.01066; gnomAD 0.00705 and 0.00755; ExAC 0.00734; ESP Exome Variant Server 0.00784.
gnomAD v4.1: 16,609 of 1,614,184 alleles (1%); highest among the groups gnomAD compares: Non-Finnish European, 1.3%; 108 homozygotes.

Submissions (12):

GeneDx
Classification: Uncertain significance. Last evaluated: 2026-07-30. Review status: criteria provided, single submitter. Criteria: GeneDx Variant Classification Process June 2021. Collection method: clinical testing. Allele origin: germline.
Comment: Observed in the heterozygous state or as compound heterozygous with another variant in the WNT10A gene in both individuals with oligodontia and unaffected individuals, and has been reported as a polymorphism (PMID: 19559398, 25629078, 25545742, 36250548); Observed in individuals with tooth agenesis in the published literature who had variants in other genes associated with ectodermal anomalies (PMID: 23991204); Observed as heterozygous by whole exome sequencing in a patient with short anagen hair (PMID: 37671665); In silico analysis suggests that this missense variant does not alter protein structure/function; This variant is associated with the following publications: (PMID: 33311554, 25545742, 25629078, 30426266, 36250548, 31798653, 30555066, 23991204, 19559398, 37671665)

CeGaT Center for Human Genetics Tuebingen
Classification: Benign. Last evaluated: 2026-07-01. Review status: criteria provided, single submitter. Criteria: CeGaT Center For Human Genetics Tuebingen Variant Classification Criteria Version 2. Collection method: clinical testing. Allele origin: germline. Affected: yes. Observed: 5 variant alleles.
Comment: WNT10A: BS1, BS2

Labcorp Genetics (formerly Invitae), Labcorp
Classification: Benign for Tooth agenesis, selective, 4; Odonto-onycho-dermal dysplasia. Last evaluated: 2026-01-26. Review status: criteria provided, single submitter. Criteria: Invitae Variant Classification Sherloc (09022015). Collection method: clinical testing. Allele origin: germline.

Genome-Nilou Lab
Classification: Uncertain significance for Schöpf-Schulz-Passarge syndrome. Last evaluated: 2021-07-22. Review status: criteria provided, single submitter. Criteria: ACMG Guidelines, 2015. Collection method: clinical testing. Allele origin: germline. Affected: no.

Genome-Nilou Lab
Classification: Uncertain significance for Tooth agenesis, selective, 4. Last evaluated: 2021-07-22. Review status: criteria provided, single submitter. Criteria: ACMG Guidelines, 2015. Collection method: clinical testing. Allele origin: germline. Affected: no.

Genome-Nilou Lab
Classification: Likely benign for Odonto-onycho-dermal dysplasia. Last evaluated: 2021-06-10. Review status: criteria provided, single submitter. Criteria: ACMG Guidelines, 2015. Collection method: clinical testing. Allele origin: germline. Affected: no.

Illumina Laboratory Services, Illumina
Classification: Benign for Odonto-onycho-dermal dysplasia. Last evaluated: 2018-01-13. Review status: criteria provided, single submitter. Criteria: ICSL Variant Classification Criteria 13 December 2019. Collection method: clinical testing. Allele origin: germline.
Comment: This variant was observed in the ICSL laboratory as part of a predisposition screen in an ostensibly healthy population. It had not been previously curated by ICSL or reported in the Human Gene Mutation Database (HGMD: prior to June 1st, 2018), and was therefore a candidate for classification through an automated scoring system. Utilizing variant allele frequency, disease prevalence and penetrance estimates, and inheritance mode, an automated score was calculated to assess if this variant is too frequent to cause the disease. Based on the score and internal cut-off values, a variant classified as benign is not then subjected to further curation. The score for this variant resulted in a classification of benign for this disease.

Illumina Laboratory Services, Illumina
Classification: Likely benign for Tooth agenesis, selective, 4. Last evaluated: 2018-01-13. Review status: criteria provided, single submitter. Criteria: ICSL Variant Classification Criteria 13 December 2019. Collection method: clinical testing. Allele origin: germline.
Comment: This variant was observed in the ICSL laboratory as part of a predisposition screen in an ostensibly healthy population. It had not been previously curated by ICSL or reported in the Human Gene Mutation Database (HGMD: prior to June 1st, 2018), and was therefore a candidate for classification through an automated scoring system. Utilizing variant allele frequency, disease prevalence and penetrance estimates, and inheritance mode, an automated score was calculated to assess if this variant is too frequent to cause the disease. Based on the score and internal cut-off values, a variant classified as likely benign is not then subjected to further curation. The score for this variant resulted in a classification of likely benign for this disease.

Illumina Laboratory Services, Illumina
Classification: Benign for Schöpf-Schulz-Passarge syndrome. Last evaluated: 2018-01-13. Review status: criteria provided, single submitter. Criteria: ICSL Variant Classification Criteria 13 December 2019. Collection method: clinical testing. Allele origin: germline.
Comment: the same text as in the submission from Illumina Laboratory Services, Illumina above.

PreventionGenetics, part of Exact Sciences
Classification: Benign for WNT10A-related condition. Last evaluated: 2020-12-18. Review status: no assertion criteria provided. Collection method: clinical testing. Allele origin: germline. Not counted in ClinVar's aggregate classification.
Comment: This variant is classified as benign based on ACMG/AMP sequence variant interpretation guidelines (Richards et al. 2015 PMID: 25741868, with internal and published modifications).

Natera, Inc.
Classification: Benign for Schopf-Schulz-Passarge syndrome. Last evaluated: 2019-12-30. Review status: no assertion criteria provided. Collection method: clinical testing. Allele origin: germline. Not counted in ClinVar's aggregate classification.

Yale Center for Mendelian Genomics, Yale University
Classification: Uncertain significance for Tooth agenesis. Last evaluated: 2014-09-15. Review status: no assertion criteria provided. Collection method: literature only. Allele origin: germline. Affected: yes. Observed: 1 compound heterozygote. Not counted in ClinVar's aggregate classification.

Literature cited by the submitters: PubMed 25629078 (cited by Yale Center for Mendelian Genomics, Yale University).